The following is an entry in ClinVar:

NM_000535.7(PMS2):c.2451G>T (p.Met817Ile)

Gene: PMS2 (PMS1 homolog 2, mismatch repair system component; minus strand). Cytogenetic location: 7p22.1.
Variant type: single nucleotide variant.
Coding change: c.2451G>T on transcript NM_000535.7 (MANE Select); coding-DNA position 2451, G replaced by T.
Protein change: p.Met817Ile; replaces methionine 817 with isoleucine.
Molecular consequence: missense variant. On other transcripts: non-coding transcript variant (1).
Genome position (GRCh38, 1-based): chr7:5,973,537, C>A on the plus strand (G>T on the coding strand, the complement: PMS2 is on the minus strand). VCF-style: chr7-5973537-C-A. GRCh37 (hg19) VCF-style: chr7-6013168-C-A.
Other names: c.2046G>T, p.Met682Ile (NM_001406897.1, NM_001406898.1, NM_001406899.1 and 11 more transcripts); c.1986G>T, p.Met662Ile (NM_001406900.1); c.1878G>T, p.Met626Ile (NM_001406908.1, NM_001406909.1, NM_001322013.2); c.1977G>T, p.Met659Ile (NM_001406901.1, NM_001406902.1); c.1938G>T, p.Met646Ile (NM_001406905.1, NM_001406904.1); c.1890G>T, p.Met630Ile (NM_001406906.1, NM_001406907.1, NM_001322010.2); c.1734G>T, p.Met578Ile (NM_001406910.1); c.1680G>T, p.Met560Ile (NM_001406911.1); and 20 more; short protein forms M416I, M655I, M659I, M682I, M705I, M714I, M776I, M879I.
Identifiers: ClinVar variation 3890999 (VCV003890999.2).

ClinVar aggregate classification (germline): Uncertain significance. Review status: criteria provided, multiple submitters, no conflicts (2 of 4 stars). 2 submissions from 2 submitters: Uncertain significance (2). Last evaluated 2025-09-11.

Conditions:
Hereditary cancer-predisposing syndrome. Also called: Tumor predisposition; Neoplastic Syndromes, Hereditary; Hereditary Cancer Syndrome; Hereditary neoplastic syndrome. Identifiers: Orphanet 140162, MedGen C0027672, MeSH D009386, MONDO:0015356.

Submissions (2):

Color Diagnostics, LLC DBA Color Health
Classification: Uncertain significance for Hereditary cancer-predisposing syndrome. Last evaluated: 2025-09-11. Review status: criteria provided, single submitter. Criteria: ACMG Guidelines, 2015. Collection method: clinical testing. Allele origin: germline.
Comment: This missense variant replaces methionine with isoleucine at codon 817 of the PMS2 protein. Computational prediction suggests that this variant may have deleterious impact on protein structure and function. To our knowledge, functional studies have not been reported for this variant. This variant has not been reported in individuals affected with PMS2-related disorders in the literature. This variant has not been identified in the general population by the Genome Aggregation Database (gnomAD). The available evidence is insufficient to determine the role of this variant in disease conclusively. Therefore, this variant is classified as a Variant of Uncertain Significance.

Ambry Genetics
Classification: Uncertain significance for Hereditary cancer-predisposing syndrome. Last evaluated: 2025-02-01. Review status: criteria provided, single submitter. Criteria: Ambry Variant Classification Scheme 2023. Collection method: clinical testing. Allele origin: germline.
Comment: The p.M817I variant (also known as c.2451G>T), located in coding exon 15 of the PMS2 gene, results from a G to T substitution at nucleotide position 2451. The methionine at codon 817 is replaced by isoleucine, an amino acid with highly similar properties. This amino acid position is conserved. In addition, this alteration is predicted to be deleterious by in silico analysis. Based on the available evidence, the clinical significance of this variant remains unclear.